The following is an entry in ClinVar:

ClinVar aggregate classification (germline): Conflicting classifications of pathogenicity. Review status: criteria provided, conflicting classifications (1 of 4 stars). 5 submissions from 5 submitters: Uncertain significance (2); Benign (1); Likely benign (2). Last evaluated 2026-02-17.

Conditions:
Congenital muscular dystrophy due to integrin alpha-7 deficiency. Also called: MYOPATHY, CONGENITAL, DUE TO INTEGRIN ALPHA-7 DEFICIENCY; Congenital muscular dystrophy with integrin alpha-7 deficiency; Muscular dystrophy, congenital, due to ITGA7 deficiency. Identifiers: Orphanet 34520, MedGen C2750786, MONDO:0013177, OMIM 613204.
ITGA7-related disorder. Also called: ITGA7-related condition.

Allele frequency attached by ClinVar (database versions not stated): gnomAD exomes 0.00006 and 0.00019; ExAC 0.00018; 1000 Genomes Project 30x 0.00047; 1000 Genomes Project 0.00060; ESP Exome Variant Server 0.00062; gnomAD 0.00075 and 0.00081; TOPMed 0.00080.
gnomAD v4.1: 211 of 1,613,498 alleles (0.013%); highest among the groups gnomAD compares: African/African-American, 0.25%; no homozygotes.

Submissions (5):

PreventionGenetics, part of Exact Sciences
Classification: Likely benign for ITGA7-related condition. Last evaluated: 2026-02-17. Review status: criteria provided, single submitter. Criteria: ACMG Guidelines, 2015. Collection method: clinical testing. Allele origin: germline.
Comment: This variant is classified as likely benign based on ACMG/AMP sequence variant interpretation guidelines (Richards et al. 2015 PMID: 25741868, with internal and published modifications).

Labcorp Genetics (formerly Invitae), Labcorp
Classification: Likely benign for Congenital muscular dystrophy due to integrin alpha-7 deficiency. Last evaluated: 2025-12-31. Review status: criteria provided, single submitter. Criteria: Invitae Variant Classification Sherloc (09022015). Collection method: clinical testing. Allele origin: germline.

Revvity Omics, Revvity
Classification: Benign for Congenital muscular dystrophy due to integrin alpha-7 deficiency. Last evaluated: 2025-08-01. Review status: criteria provided, single submitter. Criteria: ACMG Guidelines, 2015. Collection method: clinical testing. Allele origin: germline.

GeneDx
Classification: Uncertain significance. Last evaluated: 2022-12-23. Review status: criteria provided, single submitter. Criteria: GeneDx Variant Classification Process June 2021. Collection method: clinical testing. Allele origin: germline. Affected: yes.
Comment: In silico analysis supports that this missense variant has a deleterious effect on protein structure/function; Has not been previously published as pathogenic or benign to our knowledge

CeGaT Center for Human Genetics Tuebingen
Classification: Uncertain significance. Last evaluated: 2021-12-01. Review status: criteria provided, single submitter. Criteria: CeGaT Center For Human Genetics Tuebingen Variant Classification Criteria Version 2. Collection method: clinical testing. Allele origin: germline. Affected: yes. Observed: 1 variant allele.

NM_002206.3(ITGA7):c.2651A>T (p.Glu884Val)

Gene: ITGA7 (integrin subunit alpha 7; minus strand). Cytogenetic location: 12q13.2.
Variant type: single nucleotide variant.
Coding change: c.2651A>T on transcript NM_002206.3 (MANE Select); coding-DNA position 2651, A replaced by T.
Protein change: p.Glu884Val; replaces glutamic acid 884 with valine.
Molecular consequence: missense variant.
Genome position (GRCh38, 1-based): chr12:55,693,202, T>A on the plus strand (A>T on the coding strand, the complement: ITGA7 is on the minus strand). VCF-style: chr12-55693202-T-A. GRCh37 (hg19) VCF-style: chr12-56086986-T-A.
Other names: c.2663A>T, p.Glu888Val (NM_001144996.2); c.2372A>T, p.Glu791Val (NM_001144997.2); c.2324A>T, p.Glu775Val (NM_001367993.1); c.1307A>T, p.Glu436Val (NM_001367994.1); c.2633A>T, p.Glu878Val (NM_001374465.1); c.2783A>T, p.Glu928Val (NM_001410977.1); c.2645A>T, p.Glu882Val (NM_001414029.1); c.2576A>T, p.Glu859Val (NM_001414030.1); and 5 more; short protein forms E791V, E884V, E436V, E775V, E888V, E878V, E928V, E771V.
Identifiers: ClinVar variation 452340 (VCV000452340.53), dbSNP rs149963176, ClinGen allele CA6615519.